The following is an entry in ClinVar:

ClinVar aggregate classification (germline): Pathogenic. Review status: reviewed by expert panel (3 of 4 stars). 11 submissions from 11 submitters: Pathogenic (1). 10 of the submissions do not count toward it. Last evaluated 2016-09-08.

Conditions:
BRCA2-related disorder. Also called: BRCA2-related condition; BRCA2-related disorders. Identifiers: MedGen CN239275.
Hereditary cancer-predisposing syndrome. Also called: Tumor predisposition; Neoplastic Syndromes, Hereditary; Hereditary neoplastic syndrome; Hereditary Cancer Syndrome. Identifiers: Orphanet 140162, MedGen C0027672, MeSH D009386, MONDO:0015356.
Hereditary breast ovarian cancer syndrome. Also called: Hereditary breast and ovarian cancer; BRCA1- and BRCA2-Associated Hereditary Breast and Ovarian Cancer; Hereditary breast and/or ovarian cancer syndrome; Hereditary breast and ovarian cancer syndrome; Breast and ovarian cancer; Hereditary breast and ovarian cancer syndrome (HBOC). Identifiers: Orphanet 145, MedGen C0677776, MeSH D061325, MONDO:0003582. Disease mechanism: loss of function.
Breast-ovarian cancer, familial, susceptibility to, 2 (BROVCA2). Also called: BRCA2 Hereditary Breast and Ovarian Cancer. Identifiers: Orphanet 145, MedGen C2675520, MONDO:0012933, OMIM 612555. Disease mechanism: loss of function.

Allele frequency attached by ClinVar (database versions not stated): gnomAD exomes 0.00001.

Submissions (11):

Evidence-based Network for the Interpretation of Germline Mutant Alleles (ENIGMA)
Classification: Pathogenic for Breast-ovarian cancer, familial, susceptibility to, 2. Last evaluated: 2016-09-08. Review status: reviewed by expert panel. Criteria: ENIGMA BRCA1/2 Classification Criteria (2015). Collection method: curation. Allele origin: germline.
Comment: Variant allele predicted to encode a truncated non-functional protein.

Blueprint Genetics
Classification: Pathogenic for BRCA2-related disorders. Last evaluated: 2024-04-24. Review status: criteria provided, single submitter. Criteria: ACMG Guidelines, 2015. Collection method: clinical testing. Allele origin: germline. Affected: yes. Observed: 4 variant alleles. Not counted in ClinVar's aggregate classification.

Women's Health and Genetics/Laboratory Corporation of America, LabCorp
Classification: Pathogenic for Hereditary breast ovarian cancer syndrome. Last evaluated: 2023-06-05. Review status: criteria provided, single submitter. Criteria: LabCorp Variant Classification Summary - May 2015. Collection method: clinical testing. Allele origin: germline. Not counted in ClinVar's aggregate classification.
Comment: Variant summary: BRCA2 c.7762delA (p.Ile2588TyrfsX60) results in a premature termination codon, predicted to cause absence of the protein due to nonsense mediated decay, which is a commonly known mechanism for disease. The variant was absent in 251436 control chromosomes (gnomAD). c.7762delA has been reported in the literature in individuals affected with Hereditary Breast And Ovarian Cancer Syndrome (Lilyquist_2017). The following publication has been ascertained in the context of this evaluation (PMID: 28888541). Four submitters, including an expert panel, have provided clinical-significance assessments for this variant to ClinVar after 2014, and classified the variant as pathogenic. Based on the evidence outlined above, the variant was classified as pathogenic.

Genetics and Molecular Pathology, SA Pathology
Classification: Pathogenic for Breast-ovarian cancer, familial, susceptibility to, 2. Last evaluated: 2022-05-11. Review status: criteria provided, single submitter. Criteria: ACMG Guidelines, 2015. Collection method: clinical testing. Allele origin: germline. Affected: yes. Not counted in ClinVar's aggregate classification.
Comment: The BRCA2 c.7762del variant is classified as Pathogenic (PVS1, PS4_Moderate, PM2) This BRCA2 c.7762del variant is located in exon 16/27 and is predicted to cause a shift in the reading frame at codon 2588. BRCA2:c. 7762del (also described as BRCA1 4184del4 using legacy nomenclature) has been reported in multiple unrelated individuals and families with breast, ovarian and colon cancer (Cunningham et al., 2015 PMID: 24504028; Rosenthal et al, 2018 PMID: 30267214; Copson et al, 2018 PMID: 29337092). (Ps4_moderate) The variant has been reported in dbSNP (rs80359679) and has been reported as Pathogenic by other diagnostic laboratories (ClinVar Variation ID: 52405). It has not been reported in HGMD. literature: Frank (1998) J Clin Oncol, Sequence analysis of BRCA1 and BRCA2: correlation of mutations with family history and ovarian cancer risk. PubMed: 9667259

Ambry Genetics
Classification: Pathogenic for Hereditary cancer-predisposing syndrome. Last evaluated: 2018-04-18. Review status: criteria provided, single submitter. Criteria: Ambry Variant Classification Scheme 2023. Collection method: clinical testing. Allele origin: germline. Not counted in ClinVar's aggregate classification.
Comment: The c.7762delA pathogenic mutation, located in coding exon 15 of the BRCA2 gene, results from a deletion of one nucleotide at nucleotide position 7762, causing a translational frameshift with a predicted alternate stop codon (p.I2588Yfs*60). This pathogenic mutation has been reported in an early-onset breast cancer family and in a series of >900 epithelial ovarian cancer patients (Frank TS et al. J. Clin. Oncol. 1998 Jul;16:2417-25; Cunningham JM et al. Sci Rep. 2014 Feb;4:4026). In one case control study, this alteration was detected in 2/2222 individuals with high-grade serous epithelial ovarian cancer and 0/1528 matched controls. (Song H et al. Hum. Mol. Genet. 2014 Sep;23:4703-9). Of note, this mutation is also designated as 7990delA and I2588fs in published literature. In addition to the clinical data presented in the literature, this alteration is expected to result in loss of function by premature protein truncation or nonsense-mediated mRNA decay. As such, this alteration is interpreted as a disease-causing mutation.

CSER _CC_NCGL, University of Washington
Classification: Pathogenic for Hereditary breast and ovarian cancer. Last evaluated: 2016-10-01. Review status: criteria provided, single submitter. Criteria: Amendola et al. (Genome Res. 2015). Collection method: research. Allele origin: germline. Affected: no. Study: CSER - NEXT Medicine variant annotation. Not counted in ClinVar's aggregate classification.
Comment: This interpretation considers GERP score and allele frequency data, in addition to published reports of the variant in the literature, available at the time of review.

Laboratory for Molecular Medicine, Mass General Brigham Personalized Medicine
Classification: Pathogenic for Hereditary breast ovarian cancer syndrome. Last evaluated: 2015-12-04. Review status: criteria provided, single submitter. Criteria: ACMG Guidelines, 2015. Collection method: clinical testing. Allele origin: germline. Inheritance: Autosomal dominant inheritance. Not counted in ClinVar's aggregate classification.
Comment: The p.Ile2588fs variant in BRCA2 has been reported in 3 individuals with breast and/or ovarian cancers (Frank 1998, Cunningham 2014; Breast Cancer Information Core database). While this variant was absent from large population studies, the ability of these studies to accurately detect indels may be limited. This variant is predicted to cause a frameshift, which alters the protein’s amino acid sequence beginning at position 2588 and leads to a premature termination codon 60 amino acids downstream. This alteration is then predicted to lead to a truncated or absent protein. Heterozygous loss of function of the BRCA2 gene is an established disease mechanism in hereditary breast and ovarian cancer. In summary, this variant meets our criteria to be classified as pathogenic for hereditary breast and ovarian cancer in an autosomal dominant manner based upon the predicted impact to the protein.

PreventionGenetics, part of Exact Sciences
Classification: Pathogenic for BRCA2-related condition. Last evaluated: 2024-06-17. Review status: no assertion criteria provided. Collection method: clinical testing. Allele origin: germline. Not counted in ClinVar's aggregate classification.
Comment: The BRCA2 c.7762delA variant is predicted to result in a frameshift and premature protein termination (p.Ile2588Tyrfs*60). This variant has been reported in at least three individuals with breast/ovarian cancer (Frank et al. 1998. PubMed ID: 9667259; Cunningham et al. 2014. PubMed ID: 24504028; Copson et al. 2018. PubMed ID: 29337092). It has also been reported in an individual with multiple adenomatous polyps who was also heterozygous for a protein-truncating variant in the NTHL1 gene (Rosenthal et al. 2018. PubMed ID: 30267214). This variant has not been reported in the gnomAD database and is interpreted as pathogenic in ClinVar. Frameshift variants in BRCA2 are expected to be pathogenic. This variant is interpreted as pathogenic.

Labcorp Genetics (formerly Invitae), Labcorp
Classification: Pathogenic for BRCA1 and BRCA2 Hereditary Breast and Ovarian Cancer. Last evaluated: 2014-06-11. Review status: no assertion criteria provided. Collection method: clinical testing. Allele origin: germline. Not counted in ClinVar's aggregate classification.
Comment: The interpretation for this sequence variant was made by Invitae based on the ACMG guidelines. A more detailed explanation of the interpretation for this specific variant is forthcoming. This ClinVar entry will be updated at that time.

Research Molecular Genetics Laboratory, Women's College Hospital, University of Toronto
Classification: Pathogenic for Hereditary breast ovarian cancer syndrome. Last evaluated: 2014-01-31. Review status: no assertion criteria provided. Collection method: research. Allele origin: germline. Affected: yes. Study: The Canadian Open Genetics Repository (COGR). Not counted in ClinVar's aggregate classification.

Breast Cancer Information Core (BIC) (BRCA2)
Classification: Pathogenic for Breast-ovarian cancer, familial 2. Last evaluated: 2000-06-12. Review status: no assertion criteria provided. Collection method: clinical testing. Allele origin: germline. Affected: yes. Observed: 2 variant alleles. Not counted in ClinVar's aggregate classification.

Literature cited by the submitters: PubMed 28888541 (cited by Women's Health and Genetics/Laboratory Corporation of America, LabCorp); PubMed 9667259 (cited by 3 submitters); PubMed 24504028 (cited by 3 submitters); PubMed 29337092 (cited by Genetics and Molecular Pathology, SA Pathology); PubMed 30267214 (cited by Genetics and Molecular Pathology, SA Pathology); PubMed 24728189 (cited by Ambry Genetics).

NM_000059.4(BRCA2):c.7762del (p.Ile2588fs)

Gene: BRCA2 (BRCA2 DNA repair associated; plus strand). Cytogenetic location: 13q13.1.
Variant type: Deletion.
Coding change: c.7762del on transcript NM_000059.4 (MANE Select); coding-DNA position 7762, one base deleted (A; older notation c.7762delA).
Protein change: p.Ile2588fs; shifts the reading frame from isoleucine 2588.
Molecular consequence: frameshift variant.
Genome position (GRCh38, 1-based): chr13:32,357,886, A deleted. VCF-style (leftmost placement, unchanged base first): chr13-32357885-CA-C. GRCh37 (hg19) VCF-style: chr13-32932022-CA-C.
Other names: 7990del3ins2; 7990delA; c.7762delA (NM_000059.3); short protein forms I2588fs.
Identifiers: ClinVar variation 52405 (VCV000052405.14), dbSNP rs80359679, ClinGen allele CA025265.
Genomic context (GRCh38, chr13:32,357,885, plus strand): 5'-TTTTGGTAAGGAAAGTTTATGGACTGGAAAAGGAATACAGTTGGCTGATGGTGGATGGCT[CA>C]TACCCTCCAATGATGGAAAGGCTGGAAAAGAAGAATTTTATAGGTACTCTATGCAAAAAG-3'